The following is an entry in ClinVar:

ClinVar aggregate classification (germline): Uncertain significance (1 of 4 stars; one submission).

Conditions:
Exostoses, multiple, type 2 (EXT2). Also called: Hereditary Multiple Osteochondromatosis, Type II; EXOSTOSES, MULTIPLE, TYPE II. Identifiers: Orphanet 321, MedGen C1851413, MONDO:0007586, OMIM 133701.

Submission:

Labcorp Genetics (formerly Invitae), Labcorp
Classification: Uncertain significance for Exostoses, multiple, type 2. Last evaluated: 2024-03-04. Review status: criteria provided, single submitter. Criteria: Invitae Variant Classification Sherloc (09022015). Collection method: clinical testing. Allele origin: germline.
Comment: This sequence change replaces tryptophan, which is neutral and slightly polar, with arginine, which is basic and polar, at codon 619 of the EXT2 protein (p.Trp619Arg). This variant is not present in population databases (gnomAD no frequency). This variant has not been reported in the literature in individuals affected with EXT2-related conditions. Advanced modeling of protein sequence and biophysical properties (such as structural, functional, and spatial information, amino acid conservation, physicochemical variation, residue mobility, and thermodynamic stability) performed at Invitae indicates that this missense variant is expected to disrupt EXT2 protein function with a positive predictive value of 80%. In summary, the available evidence is currently insufficient to determine the role of this variant in disease. Therefore, it has been classified as a Variant of Uncertain Significance.

NM_207122.2(EXT2):c.1855T>C (p.Trp619Arg)

Gene: EXT2 (exostosin glycosyltransferase 2; plus strand). Cytogenetic location: 11p11.2.
Variant type: single nucleotide variant.
Coding change: c.1855T>C on transcript NM_207122.2 (MANE Select); coding-DNA position 1855, T replaced by C.
Protein change: p.Trp619Arg; replaces tryptophan 619 with arginine.
Molecular consequence: missense variant.
Genome position (GRCh38, 1-based): chr11:44,234,163, T>C. VCF-style: chr11-44234163-T-C. GRCh37 (hg19) VCF-style: chr11-44255713-T-C.
Other names: c.1954T>C, p.Trp652Arg (NM_000401.3); c.1885T>C, p.Trp629Arg (NM_001178083.3); c.1855T>C, p.Trp619Arg (NM_001389628.1, NM_001389630.1); short protein forms W619R, W629R, W652R.
Identifiers: ClinVar variation 2841929 (VCV002841929.3), dbSNP rs1554940857, ClinGen allele CA380183258.